The following is an entry in ClinVar:

NM_000823.4(GHRHR):c.1238G>A (p.Arg413His)

Gene: GHRHR (growth hormone releasing hormone receptor; plus strand). Cytogenetic location: 7p14.3.
Variant type: single nucleotide variant.
Coding change: c.1238G>A on transcript NM_000823.4 (MANE Select); coding-DNA position 1238, G replaced by A.
Protein change: p.Arg413His; replaces arginine 413 with histidine.
Molecular consequence: missense variant.
Genome position (GRCh38, 1-based): chr7:30,979,210, G>A. VCF-style: chr7-30979210-G-A. GRCh37 (hg19) VCF-style: chr7-31018825-G-A.
Other names: short protein forms R413H.
Identifiers: ClinVar variation 1412514 (VCV001412514.6), dbSNP rs781659959, ClinGen allele CA4208852.

ClinVar aggregate classification (germline): Uncertain significance (1 of 4 stars; one submission).

Allele frequency attached by ClinVar (database versions not stated): gnomAD 0.00001; ExAC 0.00002; TOPMed 0.00002; gnomAD exomes 0.00006.
gnomAD v4.1: 24 of 1,613,868 alleles (0.0015%); highest among the groups gnomAD compares: East Asian, 0.018%; no homozygotes.

Submission:

Labcorp Genetics (formerly Invitae), Labcorp
Classification: Uncertain significance. Last evaluated: 2023-07-17. Review status: criteria provided, single submitter. Criteria: Invitae Variant Classification Sherloc (09022015). Collection method: clinical testing. Allele origin: germline.
Comment: In summary, the available evidence is currently insufficient to determine the role of this variant in disease. Therefore, it has been classified as a Variant of Uncertain Significance. Algorithms developed to predict the effect of missense changes on protein structure and function output the following: SIFT: "Not Available"; PolyPhen-2: "Benign"; Align-GVGD: "Not Available". The histidine amino acid residue is found in multiple mammalian species, which suggests that this missense change does not adversely affect protein function. ClinVar contains an entry for this variant (Variation ID: 1412514). This variant has not been reported in the literature in individuals affected with GHRHR-related conditions. This variant is present in population databases (rs781659959, gnomAD 0.07%). This sequence change replaces arginine, which is basic and polar, with histidine, which is basic and polar, at codon 413 of the GHRHR protein (p.Arg413His).